The following is an entry in ClinVar:

NM_031935.3(HMCN1):c.3931G>A (p.Glu1311Lys)

Gene: HMCN1 (hemicentin 1; plus strand). Cytogenetic location: 1q31.1.
Variant type: single nucleotide variant.
Coding change: c.3931G>A on transcript NM_031935.3 (MANE Select); coding-DNA position 3931, G replaced by A.
Protein change: p.Glu1311Lys; replaces glutamic acid 1311 with lysine.
Molecular consequence: missense variant.
Genome position (GRCh38, 1-based): chr1:186,000,101, G>A. VCF-style: chr1-186000101-G-A. GRCh37 (hg19) VCF-style: chr1-185969233-G-A.
Other names: short protein forms E1311K.
Identifiers: ClinVar variation 3674631 (VCV003674631.2).

ClinVar aggregate classification (germline): Uncertain significance (1 of 4 stars; one submission).

gnomAD v4.1: 5 of 1,612,986 alleles (0.00031%); highest among the groups gnomAD compares: Admixed American, 0.0033%; no homozygotes.

Submission:

Labcorp Genetics (formerly Invitae), Labcorp
Classification: Uncertain significance. Last evaluated: 2024-08-29. Review status: criteria provided, single submitter. Criteria: Invitae Variant Classification Sherloc (09022015). Collection method: clinical testing. Allele origin: germline.
Comment: This sequence change replaces glutamic acid, which is acidic and polar, with lysine, which is basic and polar, at codon 1311 of the HMCN1 protein (p.Glu1311Lys). This variant is not present in population databases (gnomAD no frequency). This variant has not been reported in the literature in individuals affected with HMCN1-related conditions. An algorithm developed to predict the effect of missense changes on protein structure and function (PolyPhen-2) suggests that this variant is likely to be tolerated. In summary, the available evidence is currently insufficient to determine the role of this variant in disease. Therefore, it has been classified as a Variant of Uncertain Significance.